The following is an entry in ClinVar:

NM_014391.3(ANKRD1):c.27+4T>A

Gene: ANKRD1 (ankyrin repeat domain 1; minus strand). Cytogenetic location: 10q23.31.
Variant type: single nucleotide variant.
Coding change: c.27+4T>A on transcript NM_014391.3 (MANE Select); 4 bases into the intron after coding-DNA position 27, T replaced by A.
Molecular consequence: intron variant.
Genome position (GRCh38, 1-based): chr10:90,920,997, A>T on the plus strand (T>A on the coding strand, the complement: ANKRD1 is on the minus strand). VCF-style: chr10-90920997-A-T. GRCh37 (hg19) VCF-style: chr10-92680754-A-T.
Identifiers: ClinVar variation 648666 (VCV000648666.14), dbSNP rs376540175, ClinGen allele CA5598877.
Genomic context (GRCh38, chr10:90,920,997, plus strand): 5'-AATTTTCAAATAAAAACCAAGATGAACCAGTTTTCATTTTATAAAATTAATGCATCTTAC[A>T]TACCAGTTCCTCTACTTTCAGTACCATCATGTTGGCTGAAGGAGTCTTGTATGTTTTTCT-3'

ClinVar aggregate classification (germline): Conflicting classifications of pathogenicity. Review status: criteria provided, conflicting classifications (1 of 4 stars). 4 submissions from 4 submitters: Uncertain significance (2); Likely benign (2). Last evaluated 2025-11-05.

Conditions:
ANKRD1-related disorder. Also called: ANKRD1-related condition.
Cardiovascular phenotype. Identifiers: MedGen CN230736.
ANKRD1-related dilated cardiomyopathy. Identifiers: MedGen CN119551.

Allele frequency attached by ClinVar (database versions not stated): ExAC 0.00002; gnomAD exomes 0.00004; gnomAD 0.00007 and 0.00008; ESP Exome Variant Server 0.00008; TOPMed 0.00009.
gnomAD v4.1: 292 of 1,613,568 alleles (0.018%); highest among the groups gnomAD compares: Non-Finnish European, 0.024%; no homozygotes.

Submissions (4):

Labcorp Genetics (formerly Invitae), Labcorp
Classification: Uncertain significance for ANKRD1-related dilated cardiomyopathy. Last evaluated: 2025-11-05. Review status: criteria provided, single submitter. Criteria: Invitae Variant Classification Sherloc (09022015). Collection method: clinical testing. Allele origin: germline.
Comment: This sequence change falls in intron 1 of the ANKRD1 gene. It does not directly change the encoded amino acid sequence of the ANKRD1 protein. It affects a nucleotide within the consensus splice site. This variant is present in population databases (rs376540175, gnomAD 0.008%). This variant has not been reported in the literature in individuals affected with ANKRD1-related conditions. ClinVar contains an entry for this variant (Variation ID: 648666). Variants that disrupt the consensus splice site are a relatively common cause of aberrant splicing (PMID: 17576681, 9536098). Algorithms developed to predict the effect of sequence changes on RNA splicing suggest that this variant is not likely to affect RNA splicing. In summary, the available evidence is currently insufficient to determine the role of this variant in disease. Therefore, it has been classified as a Variant of Uncertain Significance.

PreventionGenetics, part of Exact Sciences
Classification: Likely benign for ANKRD1-related condition. Last evaluated: 2025-08-25. Review status: criteria provided, single submitter. Criteria: ACMG Guidelines, 2015. Collection method: clinical testing. Allele origin: germline.
Comment: This variant is classified as likely benign based on ACMG/AMP sequence variant interpretation guidelines (Richards et al. 2015 PMID: 25741868, with internal and published modifications).

Ambry Genetics
Classification: Uncertain significance for Cardiovascular phenotype. Last evaluated: 2025-01-21. Review status: criteria provided, single submitter. Criteria: Ambry Variant Classification Scheme 2023. Collection method: clinical testing. Allele origin: germline.
Comment: The c.27+4T>A intronic variant results from a T to A substitution 4 nucleotides after coding exon 1 in the ANKRD1 gene. This nucleotide position is not well conserved in available vertebrate species. In silico splice site analysis predicts that this alteration will not have any significant effect on splicing. The evidence for this gene-disease relationship is limited; therefore, the clinical significance of this alteration is unclear.

GeneDx
Classification: Likely benign. Last evaluated: 2019-07-29. Review status: criteria provided, single submitter. Criteria: GeneDx Variant Classification Process June 2021. Collection method: clinical testing. Allele origin: germline. Affected: yes.

Literature cited by the submitters: PubMed 17576681 (cited by Labcorp Genetics (formerly Invitae), Labcorp); PubMed 9536098 (cited by Labcorp Genetics (formerly Invitae), Labcorp).